The following is an entry in ClinVar:

ClinVar aggregate classification (germline): Uncertain significance (1 of 4 stars; one submission).

Conditions:
Left ventricular noncompaction 1 (LVNC1). Also called: LEFT VENTRICULAR NONCOMPACTION 1 WITH OR WITHOUT CONGENITAL HEART DEFECTS. Identifiers: Orphanet 54260, MedGen C1858725, MONDO:0011403, OMIM 604169.

Allele frequency attached by ClinVar (database versions not stated): ExAC 0.00001; gnomAD exomes 0.00001.
gnomAD v4.1: 18 of 1,613,674 alleles (0.0011%); highest among the groups gnomAD compares: Non-Finnish European, 0.0013%; no homozygotes.

Submission:

Labcorp Genetics (formerly Invitae), Labcorp
Classification: Uncertain significance for Left ventricular noncompaction 1. Last evaluated: 2020-11-11. Review status: criteria provided, single submitter. Criteria: Invitae Variant Classification Sherloc (09022015). Collection method: clinical testing. Allele origin: germline.
Comment: In summary, the available evidence is currently insufficient to determine the role of this variant in disease. Therefore, it has been classified as a Variant of Uncertain Significance. Algorithms developed to predict the effect of missense changes on protein structure and function (SIFT, PolyPhen-2, Align-GVGD) all suggest that this variant is likely to be tolerated, but these predictions have not been confirmed by published functional studies and their clinical significance is uncertain. This variant has not been reported in the literature in individuals with DTNA-related conditions. This variant is present in population databases (rs763206573, ExAC 0.002%). This sequence change replaces methionine with valine at codon 412 of the DTNA protein (p.Met412Val). The methionine residue is moderately conserved and there is a small physicochemical difference between methionine and valine.

NM_001386795.1(DTNA):c.1324A>G (p.Met442Val)

Gene: DTNA (dystrobrevin alpha; plus strand). Cytogenetic location: 18q12.1.
Variant type: single nucleotide variant.
Coding change: c.1324A>G on transcript NM_001386795.1 (MANE Select); coding-DNA position 1324, A replaced by G.
Protein change: p.Met442Val; replaces methionine 442 with valine.
Molecular consequence: missense variant. On other transcripts: intron variant (33).
Genome position (GRCh38, 1-based): chr18:34,838,815, A>G. VCF-style: chr18-34838815-A-G. GRCh37 (hg19) VCF-style: chr18-32418779-A-G.
Other names: c.370A>G, p.Met124Val (NM_001198942.1); c.1324A>G, p.Met442Val (NM_001386788.1); c.1243A>G, p.Met415Val (NM_001390.5, NM_001391.5); c.1234A>G, p.Met412Val (NM_032978.7); c.1095-9481A>G (NM_032975.4, NM_001386761.1, NM_001386762.1 and 1 more transcripts); c.1175+9326A>G (NM_001386754.1, NM_001386755.1, NM_001386760.1 and 5 more transcripts); c.1086-9481A>G (NM_001386763.1, NM_001386764.1, NM_001386768.1 and 13 more transcripts); c.604-13016A>G (NM_001198945.2); and 4 more; short protein forms M412V, M415V, M124V, M442V.
Identifiers: ClinVar variation 1384381 (VCV001384381.7), dbSNP rs763206573, ClinGen allele CA8935670.